The following is an entry in ClinVar:

NM_017755.6(NSUN2):c.96+1G>A

Gene: NSUN2 (NOP2/Sun RNA methyltransferase 2; minus strand). Cytogenetic location: 5p15.31.
Variant type: single nucleotide variant.
Coding change: c.96+1G>A on transcript NM_017755.6 (MANE Select); the canonical splice donor site of the intron after coding-DNA position 96, G replaced by A.
Molecular consequence: splice donor variant.
Genome position (GRCh38, 1-based): chr5:6,632,883, C>T on the plus strand (G>A on the coding strand, the complement: NSUN2 is on the minus strand). VCF-style: chr5-6632883-C-T. GRCh37 (hg19) VCF-style: chr5-6632996-C-T.
Other names: c.96+1G>A (NM_001193455.2).
Identifiers: ClinVar variation 3681829 (VCV003681829.2).

ClinVar aggregate classification (germline): Likely pathogenic (1 of 4 stars; one submission).

Submission:

Labcorp Genetics (formerly Invitae), Labcorp
Classification: Likely pathogenic. Last evaluated: 2024-04-19. Review status: criteria provided, single submitter. Criteria: Invitae Variant Classification Sherloc (09022015). Collection method: clinical testing. Allele origin: germline.
Comment: This sequence change affects a donor splice site in intron 1 of the NSUN2 gene. It is expected to disrupt RNA splicing. Variants that disrupt the donor or acceptor splice site typically lead to a loss of protein function (PMID: 16199547), and loss-of-function variants in NSUN2 are known to be pathogenic (PMID: 22541559, 22577224). This variant is not present in population databases (gnomAD no frequency). This variant has not been reported in the literature in individuals affected with NSUN2-related conditions. Algorithms developed to predict the effect of sequence changes on RNA splicing suggest that this variant may disrupt the consensus splice site. In summary, the currently available evidence indicates that the variant is pathogenic, but additional data are needed to prove that conclusively. Therefore, this variant has been classified as Likely Pathogenic.

Literature cited by the submitters: PubMed 16199547; PubMed 22541559; PubMed 22577224.